The following is an entry in ClinVar:

NM_016203.4(PRKAG2):c.1285G>C (p.Gly429Arg)

Gene: PRKAG2 (protein kinase AMP-activated non-catalytic subunit gamma 2; minus strand). Cytogenetic location: 7q36.1.
Variant type: single nucleotide variant.
Coding change: c.1285G>C on transcript NM_016203.4 (MANE Select); coding-DNA position 1285, G replaced by C.
Protein change: p.Gly429Arg; replaces glycine 429 with arginine.
Molecular consequence: missense variant.
Genome position (GRCh38, 1-based): chr7:151,565,834, C>G on the plus strand (G>C on the coding strand, the complement: PRKAG2 is on the minus strand). VCF-style: chr7-151565834-C-G. GRCh37 (hg19) VCF-style: chr7-151262920-C-G.
Other names: c.1153G>C, p.Gly385Arg (NM_001040633.2, NM_001407024.1); c.910G>C, p.Gly304Arg (NM_001304527.2, NM_001407029.1); c.562G>C, p.Gly188Arg (NM_001304531.2, NM_001407034.1, NM_001407035.1 and 1 more transcripts); c.913G>C, p.Gly305Arg (NM_001363698.2, NM_001407028.1); c.1285G>C, p.Gly429Arg (NM_001407021.1); c.1282G>C, p.Gly428Arg (NM_001407022.1, NM_001407023.1); c.1150G>C, p.Gly384Arg (NM_001407026.1, NM_001407027.1); c.997G>C, p.Gly333Arg (NM_001407030.1); and 6 more; short protein forms G187R, G188R, G204R, G208R, G304R, G305R, G321R, G323R.
Identifiers: ClinVar variation 3075357 (VCV003075357.1), dbSNP rs2536297130, ClinGen allele CA370071109.

ClinVar aggregate classification (germline): Uncertain significance (1 of 4 stars; one submission).

Conditions:
Hypertrophic cardiomyopathy. Also called: HYPERTROPHIC MYOCARDIOPATHY. Identifiers: Orphanet 217569, MedGen C0007194, MeSH D002312, MONDO:0005045, HP:0001639.

Submission:

All of Us Research Program, National Institutes of Health
Classification: Uncertain significance for Hypertrophic cardiomyopathy. Last evaluated: 2024-01-11. Review status: criteria provided, single submitter. Criteria: ACMG Guidelines, 2015. Collection method: clinical testing. Allele origin: germline. Inheritance: Autosomal dominant inheritance. Observed: 1 variant allele, 1 heterozygote.
Comment: This study involves interpretation of variants in research participants for the purpose of population health screening. Participant phenotype was not available at the time of variant classification. Additional details can be found in publication PMID: 35346344, PMCID: PMC8962531